The following is an entry in ClinVar:

ClinVar aggregate classification (germline): Likely benign (1 of 4 stars; one submission).

Submission:

CeGaT Center for Human Genetics Tuebingen
Classification: Likely benign. Last evaluated: 2026-01-01. Review status: criteria provided, single submitter. Criteria: CeGaT Center For Human Genetics Tuebingen Variant Classification Criteria Version 2. Collection method: clinical testing. Allele origin: germline. Affected: yes. Observed: 1 variant allele.
Comment: CEL: BP4

NM_001807.6(CEL):c.700C>T (p.Arg234Trp)

Gene: CEL (carboxyl ester lipase; plus strand). Cytogenetic location: 9q34.13.
Variant type: single nucleotide variant.
Coding change: c.700C>T on transcript NM_001807.6 (MANE Select); coding-DNA position 700, C replaced by T.
Protein change: p.Arg234Trp; replaces arginine 234 with tryptophan.
Molecular consequence: missense variant.
Genome position (GRCh38, 1-based): chr9:133,066,868, C>T. VCF-style: chr9-133066868-C-T. GRCh37 (hg19) VCF-style: chr9-135942255-C-T.
Other names: short protein forms R234W.
Identifiers: ClinVar variation 4821970 (VCV004821970.4).